The following is an entry in ClinVar:

ClinVar aggregate classification (germline): Uncertain significance (1 of 4 stars; one submission).

Conditions:
Inborn genetic diseases. Identifiers: MedGen C0950123, MeSH D030342.

Submission:

Ambry Genetics
Classification: Uncertain significance for Inborn genetic diseases. Last evaluated: 2024-11-05. Review status: criteria provided, single submitter. Criteria: Ambry Variant Classification Scheme 2023. Collection method: clinical testing. Allele origin: germline.
Comment: The c.2348T>A (p.M783K) alteration is located in exon 14 (coding exon 13) of the SCN2A gene. This alteration results from a T to A substitution at nucleotide position 2348, causing the methionine (M) at amino acid position 783 to be replaced by a lysine (K). This variant was not reported in population-based cohorts in the Genome Aggregation Database (gnomAD). This amino acid position is highly conserved in available vertebrate species. This alteration is predicted to be deleterious by in silico analysis. Based on insufficient or conflicting evidence, the clinical significance of this alteration remains unclear.

NM_001040142.2(SCN2A):c.2348T>A (p.Met783Lys)

Gene: SCN2A (sodium voltage-gated channel alpha subunit 2; plus strand). Cytogenetic location: 2q24.3.
Variant type: single nucleotide variant.
Coding change: c.2348T>A on transcript NM_001040142.2 (MANE Select); coding-DNA position 2348, T replaced by A.
Protein change: p.Met783Lys; replaces methionine 783 with lysine.
Molecular consequence: missense variant.
Genome position (GRCh38, 1-based): chr2:165,331,528, T>A. VCF-style: chr2-165331528-T-A. GRCh37 (hg19) VCF-style: chr2-166188038-T-A.
Other names: c.2348T>A, p.Met783Lys (NM_001040143.2, NM_001371246.1, NM_001371247.1 and 1 more transcripts); short protein forms M783K.
Identifiers: ClinVar variation 3438208 (VCV003438208.1).
Genomic context (GRCh38, chr2:165,331,528, plus strand): 5'-TGGCCATCACCATCTGCATTGTCTTAAATACACTCTTCATGGCTATGGAGCACTATCCCA[T>A]GACGGAGCAGTTCAGCAGTGTACTGTCTGTTGGAAACCTGGTAAGCCTCACTGAGAGTTT-3'
Protein context (NP_001035232.1, residues 773-793): TLFMAMEHYP[Met783Lys]TEQFSSVLSV